The following is an entry in ClinVar:

NM_006267.5(RANBP2):c.1162G>A (p.Ala388Thr)

Gene: RANBP2 (RAN binding protein 2; plus strand). Cytogenetic location: 2q13.
Variant type: single nucleotide variant.
Coding change: c.1162G>A on transcript NM_006267.5 (MANE Select); coding-DNA position 1162, G replaced by A.
Protein change: p.Ala388Thr; replaces alanine 388 with threonine.
Molecular consequence: missense variant.
Genome position (GRCh38, 1-based): chr2:108,749,018, G>A. VCF-style: chr2-108749018-G-A. GRCh37 (hg19) VCF-style: chr2-109365474-G-A.
Other names: c.1162G>A, p.Ala388Thr (NM_001415871.1, NM_001415873.1); c.1159G>A, p.Ala387Thr (NM_001415872.1); short protein forms A387T, A388T.
Identifiers: ClinVar variation 3777364 (VCV003777364.1).

ClinVar aggregate classification (germline): Uncertain significance (1 of 4 stars; one submission).

gnomAD v4.1: 1 of 1,611,874 alleles (0.000062%); highest among the groups gnomAD compares: Admixed American, 0.0017%; no homozygotes.

Submission:

GeneDx
Classification: Uncertain significance. Last evaluated: 2024-10-13. Review status: criteria provided, single submitter. Criteria: GeneDx Variant Classification Process June 2021. Collection method: clinical testing. Allele origin: germline. Affected: yes.
Comment: Not observed at significant frequency in large population cohorts (gnomAD); In silico analysis indicates that this missense variant does not alter protein structure/function; Has not been previously published as pathogenic or benign to our knowledge